The following is an entry in ClinVar:

ClinVar aggregate classification (germline): Likely benign. Review status: criteria provided, multiple submitters, no conflicts (2 of 4 stars). 2 submissions from 2 submitters: Likely benign (2). Last evaluated 2026-01-12.

Conditions:
Primary dilated cardiomyopathy (DCM). Also called: Dilated Cardiomyopathy. Identifiers: Orphanet 217604, MedGen C0007193, MeSH D002311, MONDO:0005021, HP:0001644. Inheritance: Various modes of inheritance.
Hypertrophic cardiomyopathy. Also called: HYPERTROPHIC MYOCARDIOPATHY. Identifiers: Orphanet 217569, MedGen C0007194, MeSH D002312, MONDO:0005045, HP:0001639.

Allele frequency attached by ClinVar (database versions not stated): gnomAD exomes below 0.00001.
gnomAD v4.1: 2 of 1,604,506 alleles (0.00012%); highest among the groups gnomAD compares: South Asian, 0.0022%; no homozygotes.

Submissions (2):

Labcorp Genetics (formerly Invitae), Labcorp
Classification: Likely benign for Hypertrophic cardiomyopathy; Primary dilated cardiomyopathy. Last evaluated: 2026-01-12. Review status: criteria provided, single submitter. Criteria: Invitae Variant Classification Sherloc (09022015). Collection method: clinical testing. Allele origin: germline.

GeneDx
Classification: Likely benign. Last evaluated: 2018-01-05. Review status: criteria provided, single submitter. Criteria: GeneDx Variant Classification (06012015). Collection method: clinical testing. Allele origin: germline. Affected: yes.
Comment: This variant is considered likely benign or benign based on one or more of the following criteria: it is a conservative change, it occurs at a poorly conserved position in the protein, it is predicted to be benign by multiple in silico algorithms, and/or has population frequency not consistent with disease.

NM_014476.6(PDLIM3):c.27C>T (p.Gly9=)

Gene: PDLIM3 (PDZ and LIM domain 3; minus strand). Cytogenetic location: 4q35.1.
Variant type: single nucleotide variant.
Coding change: c.27C>T on transcript NM_014476.6 (MANE Select); coding-DNA position 27, C replaced by T.
Protein change: p.Gly9=; no amino-acid change (glycine 9 retained).
Molecular consequence: synonymous variant. On other transcripts: non-coding transcript variant (1).
Genome position (GRCh38, 1-based): chr4:185,535,408, G>A on the plus strand (C>T on the coding strand, the complement: PDLIM3 is on the minus strand). VCF-style: chr4-185535408-G-A. GRCh37 (hg19) VCF-style: chr4-186456562-G-A.
Other names: c.27C>T, p.Gly9= (NM_001114107.5, NM_001257962.2, NM_001257963.2).
Identifiers: ClinVar variation 514343 (VCV000514343.2), dbSNP rs1441628170, ClinGen allele CA442628914.
Genomic context (GRCh38, chr4:185,535,408, plus strand): 5'-GATGACCAAAGGCTGGTTGAAGTCTATGCCCCCTGAGAGCCTGAAGCCCCAGGGCGCAGG[G>A]CCCGGGAGGATCACCGTCTGGGGCATGCCGCCTTCCTCCCGCCCACCGGGCTCTAAGTGT-3'
Protein context (NP_055291.2, residues 1-19): MPQTVILP[Gly9=]PAPWGFRLSG